The following is an entry in ClinVar:

ClinVar aggregate classification (germline): Uncertain significance (1 of 4 stars; one submission).

Submission:

GeneDx
Classification: Uncertain significance. Last evaluated: 2024-09-26. Review status: criteria provided, single submitter. Criteria: GeneDx Variant Classification Process June 2021. Collection method: clinical testing. Allele origin: germline. Affected: yes.
Comment: Not observed at significant frequency in large population cohorts (gnomAD); Initiation codon variant in a gene for which loss of function is not a known mechanism of disease; Has not been previously published as pathogenic or benign to our knowledge

NM_003403.5(YY1):c.1A>G (p.Met1Val)

Genes: YY1 (YY1 transcription factor; plus strand), LOC130056452 (ATAC-STARR-seq lymphoblastoid silent region 6081; plus strand). Cytogenetic location: 14q32.2.
Variant type: single nucleotide variant.
Coding change: c.1A>G on transcript NM_003403.5 (MANE Select); coding-DNA position 1, A replaced by G.
Protein change: p.Met1Val; changes the start codon (methionine 1).
Molecular consequence: missense variant, initiator codon variant.
Genome position (GRCh38, 1-based): chr14:100,239,245, A>G. VCF-style: chr14-100239245-A-G. GRCh37 (hg19) VCF-style: chr14-100705582-A-G.
Other names: short protein forms M1V.
Identifiers: ClinVar variation 3774678 (VCV003774678.1).
Genomic context (GRCh38, chr14:100,239,245, plus strand): 5'-CCGCCCGCCCGCAGCCGAGGAGCCGAGGCCGCCGCGGCCGTGGCGGCGGAGCCCTCAGCC[A>G]TGGCCTCGGGCGACACCCTCTACATCGCCACGGACGGCTCGGAGATGCCGGCCGAGATCG-3'
Protein context (NP_003394.1, residues 1-11): [Met1Val]ASGDTLYIAT